The following is an entry in ClinVar:

ClinVar aggregate classification (germline): Uncertain significance (1 of 4 stars; one submission).

Submission:

GeneDx
Classification: Uncertain significance. Last evaluated: 2025-11-14. Review status: criteria provided, single submitter. Criteria: GeneDx Variant Classification Process June 2021. Collection method: clinical testing. Allele origin: germline.
Comment: Not observed at significant frequency in large population cohorts (gnomAD); Has not been previously published as pathogenic or benign to our knowledge; In silico analysis does not support a benign or deleterious effect of this variant on protein structure/function

NM_019066.5(MAGEL2):c.226G>A (p.Val76Met)

Gene: MAGEL2 (MAGE family member L2; minus strand). Cytogenetic location: 15q11.2.
Variant type: single nucleotide variant.
Coding change: c.226G>A on transcript NM_019066.5 (MANE Select); coding-DNA position 226, G replaced by A.
Protein change: p.Val76Met; replaces valine 76 with methionine.
Molecular consequence: missense variant.
Genome position (GRCh38, 1-based): chr15:23,647,517, C>T on the plus strand (G>A on the coding strand, the complement: MAGEL2 is on the minus strand). VCF-style: chr15-23647517-C-T. GRCh37 (hg19) VCF-style: chr15-23892664-C-T.
Other names: short protein forms V76M.
Identifiers: ClinVar variation 3367792 (VCV003367792.2).